The following is an entry in ClinVar:

NM_004174.4(SLC9A3):c.1583G>A (p.Arg528Gln)

Genes: SLC9A3 (solute carrier family 9 member A3), SLC9A3-AS1 (SLC9A3 antisense RNA 1; plus strand). Cytogenetic location: 5p15.33.
Variant type: single nucleotide variant.
Coding change: c.1583G>A on transcript NM_004174.4 (MANE Select); coding-DNA position 1583, G replaced by A.
Protein change: p.Arg528Gln; replaces arginine 528 with glutamine.
Molecular consequence: missense variant. On other transcripts: non-coding transcript variant (1).
Genome position (GRCh38, 1-based): chr5:479,900, C>T on the plus strand (G>A on the coding strand, the complement: SLC9A3 is on the minus strand). VCF-style: chr5-479900-C-T. GRCh37 (hg19) VCF-style: chr5-480015-C-T.
Other names: c.1556G>A, p.Arg519Gln (NM_001284351.3); short protein forms R519Q, R528Q.
Identifiers: ClinVar variation 1521912 (VCV001521912.8), dbSNP rs376396781, ClinGen allele CA3175823.

ClinVar aggregate classification (germline): Uncertain significance (1 of 4 stars; one submission).

Allele frequency attached by ClinVar (database versions not stated): gnomAD exomes 0.00003 and 0.00004; ExAC 0.00004; TOPMed 0.00005; ESP Exome Variant Server 0.00008; 1000 Genomes Project 30x 0.00016; 1000 Genomes Project 0.00020; gnomAD 0.00004 and 0.00005.

Submission:

Labcorp Genetics (formerly Invitae), Labcorp
Classification: Uncertain significance. Last evaluated: 2023-12-27. Review status: criteria provided, single submitter. Criteria: Invitae Variant Classification Sherloc (09022015). Collection method: clinical testing. Allele origin: germline.
Comment: This sequence change replaces arginine, which is basic and polar, with glutamine, which is neutral and polar, at codon 528 of the SLC9A3 protein (p.Arg528Gln). This variant is present in population databases (rs376396781, gnomAD 0.02%). This variant has not been reported in the literature in individuals affected with SLC9A3-related conditions. ClinVar contains an entry for this variant (Variation ID: 1521912). An algorithm developed to predict the effect of missense changes on protein structure and function (PolyPhen-2) suggests that this variant is likely to be tolerated. In summary, the available evidence is currently insufficient to determine the role of this variant in disease. Therefore, it has been classified as a Variant of Uncertain Significance.